The following is an entry in ClinVar:

NM_001875.5(CPS1):c.3980G>A (p.Cys1327Tyr)

Gene: CPS1 (carbamoyl-phosphate synthase 1; plus strand). Cytogenetic location: 2q34.
Variant type: single nucleotide variant.
Coding change: c.3980G>A on transcript NM_001875.5 (MANE Select); coding-DNA position 3980, G replaced by A.
Protein change: p.Cys1327Tyr; replaces cysteine 1327 with tyrosine.
Molecular consequence: missense variant. On other transcripts: non-coding transcript variant (2).
Genome position (GRCh38, 1-based): chr2:210,663,175, G>A. VCF-style: chr2-210663175-G-A. GRCh37 (hg19) VCF-style: chr2-211527899-G-A.
Other names: c.3980G>A, p.Cys1327Tyr (NM_001122633.3, NM_001369257.1); c.4013G>A, p.Cys1338Tyr (NM_001369256.1); short protein forms C1327Y, C1338Y.
Identifiers: ClinVar variation 488489 (VCV000488489.4), dbSNP rs1553518389, ClinGen allele CA350439356.

ClinVar aggregate classification (germline): Pathogenic/Likely pathogenic. Review status: criteria provided, multiple submitters, no conflicts (2 of 4 stars). 2 submissions from 2 submitters: Pathogenic (1); Likely pathogenic (1). Last evaluated 2022-01-03.

Conditions:
Congenital hyperammonemia, type I. Also called: Carbamoyl-phosphate synthase I deficiency; Carbamoyl phosphate synthetase I deficiency disease; Carbamoyl phosphate synthetase 1 deficiency; Hyperammonemia due to carbamoyl phosphate synthetase 1 deficiency; CPS 1 deficiency; Carbamyl phosphate synthetase (CPS) deficiency. Identifiers: Orphanet 147, MedGen C4082171, MONDO:0009376, OMIM 237300.

Submissions (2):

3billion
Classification: Likely pathogenic for Congenital hyperammonemia, type I. Last evaluated: 2022-01-03. Review status: criteria provided, single submitter. Criteria: ACMG Guidelines, 2015. Collection method: clinical testing. Allele origin: germline. Affected: yes. Observed: 1 heterozygote.
Comment: Same nucleotide change resulting in same amino acid change has been previously reported to be associated with CPS1 related disorder (ClinVar ID: VCV000488489, PMID:28526534, PS1_P). A different missense change at the same codon has been reported to be associated with CPS1 related disorder (PMID:21120950, PM5_P). In silico tool predictions suggest damaging effect of the variant on gene or gene product (REVEL: 0.846, 3CNET: 0.876, PP3_P). It is not observed in the gnomAD v2.1.1 dataset (PM2_M). Therefore, this variant is classified as likely pathogenic according to the recommendation of ACMG/AMP guideline.

Institute of Human Genetics Munich, TUM University Hospital
Classification: Pathogenic for Congenital hyperammonemia, type I. Last evaluated: 2017-12-09. Review status: criteria provided, single submitter. Criteria: Classification criteria August 2017. Collection method: clinical testing. Allele origin: germline. Inheritance: Autosomal recessive inheritance. Affected: yes. Observed: 1 homozygote.

Literature cited by the submitters: PubMed 21120950 (cited by 3billion); PubMed 28526534 (cited by 3billion and Institute of Human Genetics Munich, TUM University Hospital).